The following is an entry in ClinVar:

ClinVar aggregate classification (germline): Likely benign (1 of 4 stars; one submission).

Submission:

CeGaT Center for Human Genetics Tuebingen
Classification: Likely benign. Last evaluated: 2026-08-01. Review status: criteria provided, single submitter. Criteria: CeGaT Center For Human Genetics Tuebingen Variant Classification Criteria Version 2. Collection method: clinical testing. Allele origin: germline. Affected: yes. Observed: 1 variant allele.
Comment: EMC10: BP4, BP7

NM_206538.4(EMC10):c.762G>T (p.Gly254=)

Gene: EMC10 (ER membrane protein complex subunit 10; plus strand). Cytogenetic location: 19q13.33.
Variant type: single nucleotide variant.
Coding change: c.762G>T on transcript NM_206538.4 (MANE Select); coding-DNA position 762, G replaced by T.
Protein change: p.Gly254=; no amino-acid change (glycine 254 retained).
Molecular consequence: synonymous variant. On other transcripts: 3 prime UTR variant (1).
Genome position (GRCh38, 1-based): chr19:50,482,232, G>T. VCF-style: chr19-50482232-G-T. GRCh37 (hg19) VCF-style: chr19-50985489-G-T.
Other names: c.*84G>T (NM_175063.6).
Identifiers: ClinVar variation 5038798 (VCV005038798.1).